The following is an entry in ClinVar:

ClinVar aggregate classification (germline): Uncertain significance. Review status: criteria provided, multiple submitters, no conflicts (2 of 4 stars). 3 submissions from 3 submitters: Uncertain significance (3). Last evaluated 2026-02-03.

Conditions:
DICER1-related tumor predisposition. Also called: DICER1-related pleuropulmonary blastoma cancer predisposition syndrome; DICER1 syndrome. Identifiers: Orphanet 284343, MedGen C3839822, MONDO:0100216.
Hereditary cancer-predisposing syndrome. Also called: Hereditary Cancer Syndrome; Tumor predisposition; Hereditary neoplastic syndrome; Neoplastic Syndromes, Hereditary. Identifiers: Orphanet 140162, MedGen C0027672, MeSH D009386, MONDO:0015356.

Allele frequency attached by ClinVar (database versions not stated): gnomAD exomes below 0.00001.
gnomAD v4.1: 1 of 1,614,128 alleles (0.000062%); highest among the groups gnomAD compares: Non-Finnish European, 0.000085%; no homozygotes.

Submissions (3):

GeneDx
Classification: Uncertain significance. Last evaluated: 2026-02-03. Review status: criteria provided, single submitter. Criteria: GeneDx Variant Classification Process June 2021. Collection method: clinical testing. Allele origin: germline.
Comment: Not observed at significant frequency in large population cohorts (gnomAD); In silico analysis supports that this missense variant has a deleterious effect on protein structure/function; Has not been previously published as pathogenic or benign to our knowledge

Labcorp Genetics (formerly Invitae), Labcorp
Classification: Uncertain significance for DICER1-related tumor predisposition. Last evaluated: 2025-12-21. Review status: criteria provided, single submitter. Criteria: Invitae Variant Classification Sherloc (09022015). Collection method: clinical testing. Allele origin: germline.
Comment: This sequence change replaces phenylalanine, which is neutral and non-polar, with leucine, which is neutral and non-polar, at codon 1706 of the DICER1 protein (p.Phe1706Leu). This variant is not present in population databases (gnomAD no frequency). This variant has not been reported in the literature in individuals affected with DICER1-related conditions. ClinVar contains an entry for this variant (Variation ID: 412137). Invitae Evidence Modeling of protein sequence and biophysical properties (such as structural, functional, and spatial information, amino acid conservation, physicochemical variation, residue mobility, and thermodynamic stability) has been performed for this missense variant. However, the output from this modeling did not meet the statistical confidence thresholds required to predict the impact of this variant on DICER1 protein function. In summary, the available evidence is currently insufficient to determine the role of this variant in disease. Therefore, it has been classified as a Variant of Uncertain Significance.

Ambry Genetics
Classification: Uncertain significance for Hereditary cancer-predisposing syndrome. Last evaluated: 2024-06-24. Review status: criteria provided, single submitter. Criteria: Ambry Variant Classification Scheme 2023. Collection method: clinical testing. Allele origin: germline.
Comment: The p.F1706L variant (also known as c.5118C>A), located in coding exon 23 of the DICER1 gene, results from a C to A substitution at nucleotide position 5118. The phenylalanine at codon 1706 is replaced by leucine, an amino acid with highly similar properties. This amino acid position is highly conserved in available vertebrate species. In addition, this alteration is predicted to be deleterious by in silico analysis. Since supporting evidence is limited at this time, the clinical significance of this alteration remains unclear.

NM_177438.3(DICER1):c.5118C>A (p.Phe1706Leu)

Gene: DICER1 (dicer 1, ribonuclease III; minus strand). Cytogenetic location: 14q32.13.
Variant type: single nucleotide variant.
Coding change: c.5118C>A on transcript NM_177438.3 (MANE Select); coding-DNA position 5118, C replaced by A.
Protein change: p.Phe1706Leu; replaces phenylalanine 1706 with leucine.
Molecular consequence: missense variant.
Genome position (GRCh38, 1-based): chr14:95,094,134, G>T on the plus strand (C>A on the coding strand, the complement: DICER1 is on the minus strand). VCF-style: chr14-95094134-G-T. GRCh37 (hg19) VCF-style: chr14-95560471-G-T.
Other names: c.5118C>A, p.Phe1706Leu (NM_001195573.1, NM_001271282.3, NM_001291628.2 and 1 more transcripts); short protein forms F1706L.
Identifiers: ClinVar variation 412137 (VCV000412137.14), dbSNP rs1060503635, ClinGen allele CA16614606.